The following is an entry in ClinVar:

ClinVar aggregate classification (germline): Uncertain significance (1 of 4 stars; one submission).

Submission:

Athena Diagnostics
Classification: Uncertain significance. Last evaluated: 2024-10-04. Review status: criteria provided, single submitter. Criteria: Athena Diagnostics Criteria. Collection method: clinical testing. Allele origin: unknown.
Comment: Available data are insufficient to determine the clinical significance of the variant at this time. This variant has not been reported in large, multi-ethnic general populations. Polyphen and MutationTaster yielded discordant predictions regarding whether this amino acid change is damaging to the protein.

NM_033305.3(VPS13A):c.1958C>T (p.Ala653Val)

Gene: VPS13A (vacuolar protein sorting 13 homolog A; plus strand). Cytogenetic location: 9q21.2.
Variant type: single nucleotide variant.
Coding change: c.1958C>T on transcript NM_033305.3 (MANE Select); coding-DNA position 1958, C replaced by T.
Protein change: p.Ala653Val; replaces alanine 653 with valine.
Molecular consequence: missense variant.
Genome position (GRCh38, 1-based): chr9:77,247,316, C>T. VCF-style: chr9-77247316-C-T. GRCh37 (hg19) VCF-style: chr9-79862232-C-T.
Other names: c.1958C>T, p.Ala653Val (NM_001018037.2, NM_001018038.3, NM_015186.4); short protein forms A653V.
Identifiers: ClinVar variation 3571616 (VCV003571616.1).